The following is an entry in ClinVar:

ClinVar aggregate classification (germline): Conflicting classifications of pathogenicity. Review status: criteria provided, conflicting classifications (1 of 4 stars). 2 submissions from 2 submitters: Uncertain significance (1); Likely benign (1). Last evaluated 2025-03-17.

Conditions:
Primary ciliary dyskinesia. Also called: Ciliary dyskinesia. Identifiers: Orphanet 244, MedGen C0008780, MONDO:0016575, HP:0012265.

gnomAD v4.1: 1 of 1,614,144 alleles (0.000062%); highest among the groups gnomAD compares: East Asian, 0.0022%; no homozygotes.

Submissions (2):

Labcorp Genetics (formerly Invitae), Labcorp
Classification: Uncertain significance for Primary ciliary dyskinesia. Last evaluated: 2025-03-17. Review status: criteria provided, single submitter. Criteria: Invitae Variant Classification Sherloc (09022015). Collection method: clinical testing. Allele origin: germline.
Comment: This sequence change replaces glutamic acid, which is acidic and polar, with aspartic acid, which is acidic and polar, at codon 526 of the DNAAF3 protein (p.Glu526Asp). This variant is not present in population databases (gnomAD no frequency). This variant has not been reported in the literature in individuals affected with DNAAF3-related conditions. ClinVar contains an entry for this variant (Variation ID: 2958324). An algorithm developed to predict the effect of missense changes on protein structure and function outputs the following: PolyPhen-2: "Benign". The aspartic acid amino acid residue is found in multiple mammalian species, which suggests that this missense change does not adversely affect protein function. In summary, the available evidence is currently insufficient to determine the role of this variant in disease. Therefore, it has been classified as a Variant of Uncertain Significance.

Ambry Genetics
Classification: Likely benign for Primary ciliary dyskinesia. Last evaluated: 2024-08-12. Review status: criteria provided, single submitter. Criteria: Ambry Variant Classification Scheme 2023. Collection method: clinical testing. Allele origin: germline.

NM_001256715.2(DNAAF3):c.1377A>C (p.Glu459Asp)

Genes: DNAAF3 (dynein axonemal assembly factor 3; minus strand), DNAAF3-AS1 (DNAAF3 antisense RNA 1; plus strand). Cytogenetic location: 19q13.42.
Variant type: single nucleotide variant.
Coding change: c.1377A>C on transcript NM_001256715.2 (MANE Select); coding-DNA position 1377, A replaced by C.
Protein change: p.Glu459Asp; replaces glutamic acid 459 with aspartic acid.
Molecular consequence: missense variant.
Genome position (GRCh38, 1-based): chr19:55,159,311, T>G on the plus strand (A>C on the coding strand, the complement: DNAAF3 is on the minus strand). VCF-style: chr19-55159311-T-G. GRCh37 (hg19) VCF-style: chr19-55670679-T-G.
Other names: c.1578A>C, p.Glu526Asp (NM_001256714.1); c.1215A>C, p.Glu405Asp (NM_001256716.2); c.1518A>C, p.Glu506Asp (NM_178837.4); short protein forms E405D, E526D, E506D, E459D.
Identifiers: ClinVar variation 2958324 (VCV002958324.4), dbSNP rs372161739, ClinGen allele CA407446555.
Genomic context (GRCh38, chr19:55,159,311, plus strand): 5'-CAGGATGTCAAGGGGCGGAGTTCCGGGTTCCACAGCTGGGACAGTGTTGCCCAGAGCTGA[T>G]TCCTGGGACTTGCAGAAACGTGCGAAGGTCTCTGAAGGCCTGGCCCCGGTCTGTGGAGCA-3'
Protein context (NP_001243644.1, residues 449-469): ETFARFCKSQ[Glu459Asp]SALGNTVPAV